The following is an entry in ClinVar:

NM_014018.3(MRPS28):c.163G>C (p.Ala55Pro)

Genes: MRPS28 (mitochondrial ribosomal protein S28; minus strand), TPD52-MRPS28 (TPD52-MRPS28 readthrough; minus strand), LOC130000644 (ATAC-STARR-seq lymphoblastoid active region 27552; plus strand). Cytogenetic location: 8q21.13.
Variant type: single nucleotide variant.
Coding change: c.163G>C on transcript NM_014018.3 (MANE Select); coding-DNA position 163, G replaced by C.
Protein change: p.Ala55Pro; replaces alanine 55 with proline.
Molecular consequence: missense variant. On other transcripts: intron variant (1).
Genome position (GRCh38, 1-based): chr8:80,030,086, C>G on the plus strand (G>C on the coding strand, the complement: MRPS28 is on the minus strand). VCF-style: chr8-80030086-C-G. GRCh37 (hg19) VCF-style: chr8-80942321-C-G.
Other names: c.435+12534G>C (NM_001387778.1); short protein forms A55P.
Identifiers: ClinVar variation 4989557 (VCV004989557.1).

ClinVar aggregate classification (germline): Uncertain significance (1 of 4 stars; one submission).

Conditions:
MRPS28-related disorder. Also called: MRPS28-related condition.

gnomAD v4.1: 16 of 1,613,824 alleles (0.00099%); highest among the groups gnomAD compares: African/African-American, 0.02%; no homozygotes.

Submission:

PreventionGenetics, part of Exact Sciences
Classification: Uncertain significance for MRPS28-related condition. Last evaluated: 2026-07-24. Review status: criteria provided, single submitter. Criteria: ACMG Guidelines, 2015. Collection method: clinical testing. Allele origin: germline.
Comment: The MRPS28 c.163G>C variant is predicted to result in the amino acid substitution p.Ala55Pro. To our knowledge, this variant has not been reported in the literature. This variant is reported in 0.0062% of alleles in individuals of African descent in gnomAD. At this time, the clinical significance of this variant is uncertain due to the absence of conclusive functional and genetic evidence.